The following is an entry in ClinVar:

NM_000059.4(BRCA2):c.7712A>G (p.Glu2571Gly)

Gene: BRCA2 (BRCA2 DNA repair associated; plus strand). Cytogenetic location: 13q13.1.
Variant type: single nucleotide variant.
Coding change: c.7712A>G on transcript NM_000059.4 (MANE Select); coding-DNA position 7712, A replaced by G.
Protein change: p.Glu2571Gly; replaces glutamic acid 2571 with glycine.
Molecular consequence: missense variant.
Genome position (GRCh38, 1-based): chr13:32,357,836, A>G. VCF-style: chr13-32357836-A-G. GRCh37 (hg19) VCF-style: chr13-32931973-A-G.
Other names: p.E2571G:GAA>GGA; NP_000050.3:p.Glu2571Gly; short protein forms E2571G.
Identifiers: ClinVar variation 52392 (VCV000052392.80), dbSNP rs55689095, ClinGen allele CA025242.

ClinVar aggregate classification (germline): Conflicting classifications of pathogenicity. Review status: criteria provided, conflicting classifications (1 of 4 stars). 17 submissions from 16 submitters: Uncertain significance (8); Benign (1); Likely benign (6). 2 of the submissions do not count toward it. Last evaluated 2026-10-19.

Conditions:
Inherited prostate cancer.
Inherited breast cancer and ovarian cancer.
BRCA2-related disorder. Also called: BRCA2-related condition; BRCA2-related disorders. Identifiers: MedGen CN239275.
Breast and/or ovarian cancer. Identifiers: MedGen CN221562.
Hereditary cancer-predisposing syndrome. Also called: Hereditary Cancer Syndrome; Neoplastic Syndromes, Hereditary; Hereditary neoplastic syndrome; Tumor predisposition. Identifiers: Orphanet 140162, MedGen C0027672, MeSH D009386, MONDO:0015356.
Hereditary breast ovarian cancer syndrome. Also called: Breast and ovarian cancer; Hereditary breast and ovarian cancer syndrome; Hereditary breast and ovarian cancer syndrome (HBOC); BRCA1- and BRCA2-Associated Hereditary Breast and Ovarian Cancer; Hereditary breast and ovarian cancer; Hereditary breast and/or ovarian cancer syndrome. Identifiers: Orphanet 145, MedGen C0677776, MeSH D061325, MONDO:0003582. Disease mechanism: loss of function.
Breast-ovarian cancer, familial, susceptibility to, 2 (BROVCA2). Also called: BRCA2 Hereditary Breast and Ovarian Cancer. Identifiers: Orphanet 145, MedGen C2675520, MONDO:0012933, OMIM 612555. Disease mechanism: loss of function.
Malignant tumor of breast. Also called: Malignant breast neoplasm; Cancer breast. Identifiers: MedGen C0006142, MONDO:0007254. Disease mechanism: loss of function.

Allele frequency attached by ClinVar (database versions not stated): gnomAD exomes 0.00001 and 0.00003; ExAC 0.00004; gnomAD 0.00017 and 0.00018; 1000 Genomes Project 0.00020; ESP Exome Variant Server 0.00015; 1000 Genomes Project 30x 0.00016; TOPMed 0.00019.
gnomAD v4.1: 52 of 1,614,048 alleles (0.0032%); highest among the groups gnomAD compares: African/African-American, 0.055%; no homozygotes.

Submissions 1 to 16 of 17:

Genomics and Molecular Medicine Service, East Genomic Laboratory Hub, NHS Genomic Medicine Service
Classification: Uncertain significance for Inherited prostate cancer. Last evaluated: 2026-10-19. Review status: criteria provided, single submitter. Criteria: ACGS Best Practice Guidelines for Variant Classification in Rare Disease 2020. Collection method: clinical testing. Allele origin: germline. Affected: yes.
Comment: PM1_Supporting,PP3,BS1_Strong

Genomics and Molecular Medicine Service, East Genomic Laboratory Hub, NHS Genomic Medicine Service
Classification: Uncertain significance for Inherited breast cancer and ovarian cancer. Last evaluated: 2026-03-17. Review status: criteria provided, single submitter. Criteria: ACGS Best Practice Guidelines for Variant Classification in Rare Disease 2020. Collection method: clinical testing. Allele origin: germline. Affected: yes.
Comment: the same text as in the submission from Genomics and Molecular Medicine Service, East Genomic Laboratory Hub, NHS Genomic Medicine Service above.

Women's Health and Genetics/Laboratory Corporation of America, LabCorp
Classification: Likely benign. Last evaluated: 2026-03-17. Review status: criteria provided, single submitter. Criteria: LabCorp Variant Classification Summary - May 2015. Collection method: clinical testing. Allele origin: germline.
Comment: Variant summary: BRCA2 c.7712A>G (p.Glu2571Gly) results in a non-conservative amino acid change located in the helical domain (IPR015252) of the encoded protein sequence. Algorithms developed to predict the effect of missense changes on protein structure and function all suggest that this variant is likely to be disruptive. The variant allele was found at a frequency of 3.2e-05 in 251380 control chromosomes, predominantly at a frequency of 0.00037 within the African or African-American subpopulation in the gnomAD database. This frequency is somewhat lower than the estimated maximum for a pathogenic variant in BRCA2 causing Hereditary Breast And Ovarian Cancer Syndrome, allowing no conclusion about variant significance. c.7712A>G has been observed primarily in individuals of African or African American ancestry, affected with or undergoing testing for Hereditary Breast And Ovarian Cancer Syndrome (e.g. Haffty_2009, Francies_2015, Adedokun_2019, Ben Ayed-Guerfali_2021, Matta_2022, Guindalini_2022, de Oliveira Ferreira_2024). These reports do not provide unequivocal conclusions about association of the variant with Hereditary Breast And Ovarian Cancer Syndrome. At least one co-occurrence with another pathogenic variant has been observed at our laboratory (BRCA1 c.4986+6T>C), providing supporting evidence for a benign role. Multiple publications report experimental evidence evaluating an impact on protein function. These results showed no damaging effect of this variant based on homology directed repair (HDR) activity (e.g. Guidugli_2018, Hart_2019, Richardson_2021, Hu_2022). HDR assays qualify as a standardized gold standard on the basis of updated guidance provided by the ClinGen Sequence Variant Interpretation (SVI) working group. The following publications have been ascertained in the context of this evaluation (PMID: 31871109, 33726785, 28814288, 26577449, 29394989, 35264596, 19491284, 29884841, 35736817, 19043619, 36329109, 33609447, 38641594). ClinVar contains an entry for this variant (Variation ID: 52392). Based on the evidence outlined above, the variant was classified as likely benign.

Labcorp Genetics (formerly Invitae), Labcorp
Classification: Likely benign for Hereditary breast ovarian cancer syndrome. Last evaluated: 2026-01-25. Review status: criteria provided, single submitter. Criteria: Invitae Variant Classification Sherloc (09022015). Collection method: clinical testing. Allele origin: germline.

PreventionGenetics, part of Exact Sciences
Classification: Likely benign for BRCA2-related condition. Last evaluated: 2025-12-19. Review status: criteria provided, single submitter. Criteria: ACMG Guidelines, 2015. Collection method: clinical testing. Allele origin: germline.
Comment: This variant is classified as likely benign based on ACMG/AMP sequence variant interpretation guidelines (Richards et al. 2015 PMID: 25741868, with internal and published modifications).

Mendelics
Classification: Benign for Hereditary breast ovarian cancer syndrome. Last evaluated: 2023-08-22. Review status: criteria provided, single submitter. Criteria: Mendelics Assertion Criteria 2019. Collection method: clinical testing. Allele origin: germline.

CHEO Genetics Diagnostic Laboratory, Children's Hospital of Eastern Ontario
Classification: Uncertain significance for Breast and/or ovarian cancer. Last evaluated: 2023-06-12. Review status: criteria provided, single submitter. Criteria: ACMG Guidelines, 2015. Collection method: clinical testing. Allele origin: germline.

Blueprint Genetics
Classification: Uncertain significance. Last evaluated: 2023-03-15. Review status: criteria provided, single submitter. Criteria: ACMG Guidelines, 2015. Collection method: clinical testing. Allele origin: germline.

Laboratorio de Genetica e Diagnostico Molecular, Hospital Israelita Albert Einstein
Classification: Uncertain significance for Breast-ovarian cancer, familial, susceptibility to, 2. Last evaluated: 2022-12-22. Review status: criteria provided, single submitter. Criteria: ACMG Guidelines, 2015. Collection method: clinical testing. Allele origin: germline. Affected: yes. Observed: 1 variant allele.
Comment: ACMG classification criteria: PM2 supporting, PP3 supporting, BS3 supporting

Quest Diagnostics Nichols Institute San Juan Capistrano
Classification: Likely benign. Last evaluated: 2022-03-18. Review status: criteria provided, single submitter. Criteria: Quest Diagnostics criteria. Collection method: clinical testing. Allele origin: unknown.

National Health Laboratory Service, Universitas Academic Hospital and University of the Free State
Classification: Uncertain significance for Hereditary breast ovarian cancer syndrome. Last evaluated: 2021-11-16. Review status: criteria provided, single submitter. Criteria: ACMG Guidelines, 2015. Collection method: clinical testing. Allele origin: germline. Affected: yes. Observed: 1 variant allele.

Genetics Program, Instituto Nacional de Cancer
Classification: Uncertain significance for Hereditary breast ovarian cancer syndrome. Last evaluated: 2021-11-01. Review status: criteria provided, single submitter. Criteria: ACMG Guidelines, 2015. Collection method: research. Allele origin: germline. Affected: yes.

Color Diagnostics, LLC DBA Color Health
Classification: Likely benign for Hereditary cancer-predisposing syndrome. Last evaluated: 2021-06-03. Review status: criteria provided, single submitter. Criteria: ACMG Guidelines, 2015. Collection method: clinical testing. Allele origin: germline.

Ambry Genetics
Classification: Likely benign for Hereditary cancer-predisposing syndrome. Last evaluated: 2019-11-20. Review status: criteria provided, single submitter. Criteria: Ambry Variant Classification Scheme 2023. Collection method: clinical testing. Allele origin: germline.

GeneDx
Classification: Uncertain significance. Last evaluated: 2017-10-23. Review status: criteria provided, single submitter. Criteria: GeneDx Variant Classification (06012015). Collection method: clinical testing. Allele origin: germline. Affected: yes.
Comment: This variant is denoted BRCA2 c.7712A>G at the cDNA level, p.Glu2571Gly (E2571G) at the protein level, and results in the change of a Glutamic Acid to a Glycine (GAA>GGA). Using alternate nomenclature, this variant would be defined as BRCA2 7940A>G. BRCA2 Glu2571Gly has been observed in at least two women with pre-menopausal and/or triple negative breast cancer (Haffty 2009, Francies 2015). BRCA2 Glu2571Gly was observed at an allele frequency of 0.05% (13/24,030) in individuals of African ancestry in large population cohorts (Lek 2016). Since Glutamic Acid and Glycine differ in polarity, charge, size or other properties, this is considered a non-conservative amino acid substitution. BRCA2 Glu2571Gly occurs at a position where amino acids with properties similar to Glutamic Acid are tolerated across species and is located in the DNA binding domain (Yang 2002). In silico analyses are inconsistent regarding the effect this variant may have on protein structure and function. Based on currently available evidence, it is unclear whether BRCA2 Glu2571Gly is a pathogenic or benign variant. We consider it to be a variant of uncertain significance.

Breast Cancer Information Core (BIC) (BRCA2)
Classification: Uncertain significance for Breast-ovarian cancer, familial 2. Last evaluated: 2003-12-23. Review status: no assertion criteria provided. Collection method: clinical testing. Allele origin: germline. Affected: yes. Observed: 3 variant alleles. Not counted in ClinVar's aggregate classification.